The following is an entry in ClinVar:

NM_020937.4(FANCM):c.4057A>G (p.Ile1353Val)

Gene: FANCM (FA complementation group M; plus strand). Cytogenetic location: 14q21.2.
Variant type: single nucleotide variant.
Coding change: c.4057A>G on transcript NM_020937.4 (MANE Select); coding-DNA position 4057, A replaced by G.
Protein change: p.Ile1353Val; replaces isoleucine 1353 with valine.
Molecular consequence: missense variant.
Genome position (GRCh38, 1-based): chr14:45,176,811, A>G. VCF-style: chr14-45176811-A-G. GRCh37 (hg19) VCF-style: chr14-45646014-A-G.
Other names: c.3979A>G, p.Ile1327Val (NM_001308133.2); c.4057A>G (NM_020937.2, NM_020937.3); short protein forms I1327V, I1353V.
Identifiers: ClinVar variation 1001337 (VCV001001337.10), dbSNP rs759767076, ClinGen allele CA7169618.

ClinVar aggregate classification (germline): Uncertain significance. Review status: criteria provided, multiple submitters, no conflicts (2 of 4 stars). 3 submissions from 3 submitters: Uncertain significance (3). Last evaluated 2025-10-14.

Conditions:
Inborn genetic diseases. Identifiers: MedGen C0950123, MeSH D030342.
Fanconi anemia (FA). Also called: Fanconi's anemia. Identifiers: Orphanet 84, MedGen C0015625, MeSH D005199, MONDO:0019391.

Allele frequency attached by ClinVar (database versions not stated): ExAC 0.00001; gnomAD 0.00001; gnomAD exomes 0.00001.

Submissions (3):

Ambry Genetics
Classification: Uncertain significance for Inborn genetic diseases. Last evaluated: 2025-10-14. Review status: criteria provided, single submitter. Criteria: Ambry Variant Classification Scheme 2023. Collection method: clinical testing. Allele origin: germline.
Comment: The p.I1353V variant (also known as c.4057A>G), located in coding exon 14 of the FANCM gene, results from an A to G substitution at nucleotide position 4057. The isoleucine at codon 1353 is replaced by valine, an amino acid with highly similar properties. This amino acid position is conserved. In addition, this alteration is predicted to be tolerated by in silico analysis. Based on the available evidence, the clinical significance of this variant remains unclear.

Quest Diagnostics Nichols Institute San Juan Capistrano
Classification: Uncertain significance. Last evaluated: 2023-08-01. Review status: criteria provided, single submitter. Criteria: Quest Diagnostics criteria. Collection method: clinical testing. Allele origin: unknown.
Comment: This variant has not been reported in the published literature. The frequency of this variant in the general population, 0.0000081 (2/245810 chromosomes (Genome Aggregation Database)), is uninformative in the assessment of its pathogenicity. Analysis of this variant using bioinformatics tools for the prediction of the effect of amino acid changes on protein structure and function yielded predictions that this variant is benign. Based on the available information, we are unable to determine the clinical significance of this variant.

Labcorp Genetics (formerly Invitae), Labcorp
Classification: Uncertain significance for Fanconi anemia. Last evaluated: 2020-09-23. Review status: criteria provided, single submitter. Criteria: Invitae Variant Classification Sherloc (09022015). Collection method: clinical testing. Allele origin: germline.
Comment: In summary, the available evidence is currently insufficient to determine the role of this variant in disease. Therefore, it has been classified as a Variant of Uncertain Significance. Algorithms developed to predict the effect of sequence changes on RNA splicing suggest that this variant may create or strengthen a splice site, but this prediction has not been confirmed by published transcriptional studies. Algorithms developed to predict the effect of missense changes on protein structure and function output the following: SIFT: "Tolerated"; PolyPhen-2: "Benign"; Align-GVGD: "Class C0". The valine amino acid residue is found in multiple mammalian species, suggesting that this missense change does not adversely affect protein function. These predictions have not been confirmed by published functional studies and their clinical significance is uncertain. This variant has not been reported in the literature in individuals with FANCM-related conditions. This variant is present in population databases (rs759767076, ExAC 0.002%). This sequence change replaces isoleucine with valine at codon 1353 of the FANCM protein (p.Ile1353Val). The isoleucine residue is weakly conserved and there is a small physicochemical difference between isoleucine and valine.